The following is an entry in ClinVar:

ClinVar aggregate classification (germline): Benign/Likely benign. Review status: criteria provided, multiple submitters, no conflicts (2 of 4 stars). 3 submissions from 3 submitters: Benign (1); Likely benign (1). 1 of the submissions does not count toward it. Last evaluated 2026-01-24.

Conditions:
Myelodysplastic syndrome (MDS). Also called: Myelodysplastic syndromes; MYELODYSPLASTIC SYNDROME, SUSCEPTIBILITY TO; Myelodysplastic syndrome, somatic. Identifiers: Orphanet 52688, MedGen C3463824, MeSH D009190, MONDO:0018881, OMIM 614286.

Allele frequency attached by ClinVar (database versions not stated): gnomAD exomes 0.00030 and 0.00057; gnomAD 0.00032 and 0.00036; ESP Exome Variant Server 0.00038; TOPMed 0.00039; ExAC 0.00044.
gnomAD v4.1: 525 of 1,613,612 alleles (0.033%); highest among the groups gnomAD compares: Admixed American, 0.028%; 1 homozygote.

Submissions (3):

Labcorp Genetics (formerly Invitae), Labcorp
Classification: Benign. Last evaluated: 2026-01-24. Review status: criteria provided, single submitter. Criteria: Invitae Variant Classification Sherloc (09022015). Collection method: clinical testing. Allele origin: germline.

Johns Hopkins Genomics, Johns Hopkins University
Classification: Likely benign for Myelodysplastic syndrome. Last evaluated: 2023-08-23. Review status: criteria provided, single submitter. Criteria: ACMG Guidelines, 2015. Collection method: clinical testing. Allele origin: germline.
Comment: This ERBB2 variant (rs138957632) reaches polymorphic frequency (>1%) within the Ashkenazi Jewish subpopulation in a large population dataset (gnomAD v3.1.2: 38/3470 alleles; 1.1%, no homozygotes). It has been reported in ClinVar (Variation ID 134078), but has not been reported in the literature in association with high-penetrance autosomal dominant hematologic malignancies, to our knowledge. Two bioinformatic tools queried predict that this substitution would be tolerated, and while the glutamic acid residue at this position is evolutionarily conserved across many of the species assessed, ten species have aspartic acid. For these reasons, we consider c.2790G>T in ERBB2 to be likely benign for high-penetrance autosomal dominant hematologic malignancies. However, this variant is a potential risk allele for myeloproliferative neoplasms based on its preponderance in cases versus controls per one study.

ITMI
No classification provided. Condition: AllHighlyPenetrant. Last evaluated: 2013-09-19. Review status: no classification provided. Collection method: reference population. Allele origin: germline. Not counted in ClinVar's aggregate classification.
Comment: Please see associated publication for description of ethnicities

Literature cited by the submitters: PubMed 34209587 (cited by Johns Hopkins Genomics, Johns Hopkins University); PubMed 36479692 (cited by Johns Hopkins Genomics, Johns Hopkins University); PubMed 24728327 (cited by ITMI).

NM_004448.4(ERBB2):c.2790G>T (p.Glu930Asp)

Gene: ERBB2 (erb-b2 receptor tyrosine kinase 2; plus strand). Cytogenetic location: 17q12.
Variant type: single nucleotide variant.
Coding change: c.2790G>T on transcript NM_004448.4 (MANE Select); coding-DNA position 2790, G replaced by T.
Protein change: p.Glu930Asp; replaces glutamic acid 930 with aspartic acid.
Molecular consequence: missense variant. On other transcripts: non-coding transcript variant (1), intron variant (1).
Genome position (GRCh38, 1-based): chr17:39,725,771, G>T. VCF-style: chr17-39725771-G-T. GRCh37 (hg19) VCF-style: chr17-37882024-G-T.
Other names: c.2209-1524G>T (NM_001382805.1); c.1752G>T, p.Glu584Asp (NM_001382806.1); c.2700G>T, p.Glu900Asp (NM_001005862.3, NM_001382782.1, NM_001382783.1); c.2745G>T, p.Glu915Asp (NM_001289936.2); c.2790G>T, p.Glu930Asp (NM_001289937.2, NM_001382796.1); c.2907G>T, p.Glu969Asp (NM_001382784.1); c.2892G>T, p.Glu964Asp (NM_001382785.1); c.2871G>T, p.Glu957Asp (NM_001382786.1); and 15 more; short protein forms E900D, E930D, E915D, E584D, E654D, E844D, E862D, E868D.
Identifiers: ClinVar variation 134078 (VCV000134078.10), dbSNP rs138957632, ClinGen allele CA158635.